The following is an entry in ClinVar:

NM_001365536.1(SCN9A):c.1984A>G (p.Asn662Asp)

Genes: SCN1A-AS1 (SCN1A and SCN9A antisense RNA 1; plus strand), SCN9A (sodium voltage-gated channel alpha subunit 9; minus strand). Cytogenetic location: 2q24.3.
Variant type: single nucleotide variant.
Coding change: c.1984A>G on transcript NM_001365536.1 (MANE Select); coding-DNA position 1984, A replaced by G.
Protein change: p.Asn662Asp; replaces asparagine 662 with aspartic acid.
Molecular consequence: missense variant.
Genome position (GRCh38, 1-based): chr2:166,281,799, T>C on the plus strand (A>G on the coding strand, the complement: SCN9A is on the minus strand). VCF-style: chr2-166281799-T-C. GRCh37 (hg19) VCF-style: chr2-167138309-T-C.
Other names: c.1951A>G, p.Asn651Asp (NM_002977.4); short protein forms N651D, N662D.
Identifiers: ClinVar variation 2077222 (VCV002077222.4), dbSNP rs2468024944, ClinGen allele CA349081384.
Genomic context (GRCh38, chr2:166,281,799, plus strand): 5'-CATTCAGCATATCCTCTGAAAGGAGATAGGAACTACAACGCCTTTTCTTGTGTATTTGAT[T>C]GGTCGTGCCCTAAAAAAAAAATCAATTAATGTCTTAAGAACAGAATCCTAATAAATTGTA-3'
Protein context (NP_001352465.1, residues 652-672): KATSDDSGTT[Asn662Asp]QIHKKRRCSS

ClinVar aggregate classification (germline): Uncertain significance (1 of 4 stars; one submission).

Conditions:
Neuropathy, hereditary sensory and autonomic, type 2A (HSAN2A). Also called: ACROOSTEOLYSIS, GIACCAI TYPE; ACROOSTEOLYSIS, NEUROGENIC; WNK1-Related HSAN2 (HSAN2A); MORVAN DISEASE; NEUROPATHY, CONGENITAL SENSORY; NEUROPATHY, HEREDITARY SENSORY RADICULAR, AUTOSOMAL RECESSIVE. Identifiers: Orphanet 970, MedGen C2752089, MONDO:0024309, OMIM 201300.
Generalized epilepsy with febrile seizures plus, type 7 (GEFSP7). Also called: GEFS+, TYPE 7. Identifiers: Orphanet 36387, MedGen C2751778, MONDO:0013470, OMIM 613863.

Submission:

Labcorp Genetics (formerly Invitae), Labcorp
Classification: Uncertain significance for Neuropathy, hereditary sensory and autonomic, type 2A; Generalized epilepsy with febrile seizures plus, type 7. Last evaluated: 2022-01-07. Review status: criteria provided, single submitter. Criteria: Invitae Variant Classification Sherloc (09022015). Collection method: clinical testing. Allele origin: germline.
Comment: In summary, the available evidence is currently insufficient to determine the role of this variant in disease. Therefore, it has been classified as a Variant of Uncertain Significance. Algorithms developed to predict the effect of missense changes on protein structure and function (SIFT, PolyPhen-2, Align-GVGD) all suggest that this variant is likely to be tolerated. This variant has not been reported in the literature in individuals affected with SCN9A-related conditions. This variant is not present in population databases (gnomAD no frequency). This sequence change replaces asparagine, which is neutral and polar, with aspartic acid, which is acidic and polar, at codon 651 of the SCN9A protein (p.Asn651Asp).